The following is an entry in ClinVar:

ClinVar aggregate classification (germline): Uncertain significance (1 of 4 stars; one submission).

Conditions:
Early-infantile DEE. Also called: Early infantile epileptic encephalopathy; Ohtahara syndrome; Early infantile epileptic encephalopathy with suppression bursts. Identifiers: Orphanet 1934, MedGen C0393706, MONDO:0800491.

Submission:

Labcorp Genetics (formerly Invitae), Labcorp
Classification: Uncertain significance for Early-infantile DEE. Last evaluated: 2024-12-03. Review status: criteria provided, single submitter. Criteria: Invitae Variant Classification Sherloc (09022015). Collection method: clinical testing. Allele origin: germline.
Comment: This sequence change replaces valine, which is neutral and non-polar, with glycine, which is neutral and non-polar, at codon 1015 of the SCN8A protein (p.Val1015Gly). This variant is not present in population databases (gnomAD no frequency). This variant has not been reported in the literature in individuals affected with SCN8A-related conditions. Invitae Evidence Modeling of protein sequence and biophysical properties (such as structural, functional, and spatial information, amino acid conservation, physicochemical variation, residue mobility, and thermodynamic stability) indicates that this missense variant is not expected to disrupt SCN8A protein function with a negative predictive value of 95%. In summary, the available evidence is currently insufficient to determine the role of this variant in disease. Therefore, it has been classified as a Variant of Uncertain Significance.

NM_001330260.2(SCN8A):c.3044T>G (p.Val1015Gly)

Gene: SCN8A (sodium voltage-gated channel alpha subunit 8; plus strand). Cytogenetic location: 12q13.13.
Variant type: single nucleotide variant.
Coding change: c.3044T>G on transcript NM_001330260.2 (MANE Select); coding-DNA position 3044, T replaced by G.
Protein change: p.Val1015Gly; replaces valine 1015 with glycine.
Molecular consequence: missense variant.
Genome position (GRCh38, 1-based): chr12:51,769,007, T>G. VCF-style: chr12-51769007-T-G. GRCh37 (hg19) VCF-style: chr12-52162791-T-G.
Other names: c.3044T>G, p.Val1015Gly (NM_001177984.3, NM_001369788.1, NM_014191.4); short protein forms V1015G.
Identifiers: ClinVar variation 3635194 (VCV003635194.2).